The following is an entry in ClinVar:

NM_139319.3(SLC17A8):c.1297+4dup

Gene: SLC17A8 (solute carrier family 17 member 8; plus strand). Cytogenetic location: 12q23.1.
Variant type: Duplication.
Coding change: c.1297+4dup on transcript NM_139319.3 (MANE Select); 4 bases into the intron after coding-DNA position 1297, one base duplicated (A; older notation c.1297+4dupA).
Molecular consequence: intron variant.
Genome position (GRCh38, 1-based): chr12:100,412,884, A duplicated; the last of 2 consecutive A bases (chr12:100,412,883-100,412,884); duplicating either gives the same sequence. VCF-style (leftmost placement, unchanged base first): chr12-100412882-T-TA. GRCh37 (hg19) VCF-style: chr12-100806660-T-TA.
Other names: c.1147+4dup (NM_001145288.2).
Identifiers: ClinVar variation 1395458 (VCV001395458.6), dbSNP rs1952880533, ClinGen allele CA2058346957.

ClinVar aggregate classification (germline): Uncertain significance (1 of 4 stars; one submission).

Submission:

Labcorp Genetics (formerly Invitae), Labcorp
Classification: Uncertain significance. Last evaluated: 2022-06-28. Review status: criteria provided, single submitter. Criteria: Invitae Variant Classification Sherloc (09022015). Collection method: clinical testing. Allele origin: germline.
Comment: This sequence change falls in intron 10 of the SLC17A8 gene. It does not directly change the encoded amino acid sequence of the SLC17A8 protein. It affects a nucleotide within the consensus splice site. This variant is not present in population databases (gnomAD no frequency). This variant has not been reported in the literature in individuals affected with SLC17A8-related conditions. Variants that disrupt the consensus splice site are a relatively common cause of aberrant splicing (PMID: 17576681, 9536098). Algorithms developed to predict the effect of sequence changes on RNA splicing suggest that this variant is not likely to affect RNA splicing. In summary, the available evidence is currently insufficient to determine the role of this variant in disease. Therefore, it has been classified as a Variant of Uncertain Significance.

Literature cited by the submitters: PubMed 17576681; PubMed 9536098.